The following is an entry in ClinVar:

ClinVar aggregate classification (germline): Uncertain significance (1 of 4 stars; one submission).

Conditions:
Isovaleryl-CoA dehydrogenase deficiency (IVA). Also called: IVD DEFICIENCY; Classic Isovaleric Acidemia; ISOVALERIC ACID CoA DEHYDROGENASE DEFICIENCY; Isovaleric acidemia. Identifiers: Orphanet 33, MedGen C0268575, MONDO:0009475, OMIM 243500.

Allele frequency attached by ClinVar (database versions not stated): gnomAD exomes below 0.00001; gnomAD 0.00002; TOPMed 0.00007.
gnomAD v4.1: 5 of 1,614,130 alleles (0.00031%); highest among the groups gnomAD compares: African/African-American, 0.0067%; no homozygotes.

Submission:

Labcorp Genetics (formerly Invitae), Labcorp
Classification: Uncertain significance for Isovaleryl-CoA dehydrogenase deficiency. Last evaluated: 2022-05-05. Review status: criteria provided, single submitter. Criteria: Invitae Variant Classification Sherloc (09022015). Collection method: clinical testing. Allele origin: germline.
Comment: This sequence change replaces aspartic acid, which is acidic and polar, with asparagine, which is neutral and polar, at codon 215 of the IVD protein (p.Asp215Asn). This variant is present in population databases (no rsID available, gnomAD 0.008%). This variant has not been reported in the literature in individuals affected with IVD-related conditions. Algorithms developed to predict the effect of missense changes on protein structure and function (SIFT, PolyPhen-2, Align-GVGD) all suggest that this variant is likely to be tolerated. Algorithms developed to predict the effect of sequence changes on RNA splicing suggest that this variant may disrupt the consensus splice site. In summary, the available evidence is currently insufficient to determine the role of this variant in disease. Therefore, it has been classified as a Variant of Uncertain Significance.

NM_002225.5(IVD):c.634G>A (p.Asp212Asn)

Gene: IVD (isovaleryl-CoA dehydrogenase; plus strand). Cytogenetic location: 15q15.1.
Variant type: single nucleotide variant.
Coding change: c.634G>A on transcript NM_002225.5 (MANE Select); coding-DNA position 634, G replaced by A.
Protein change: p.Asp212Asn; replaces aspartic acid 212 with asparagine.
Molecular consequence: missense variant. On other transcripts: non-coding transcript variant (1).
Genome position (GRCh38, 1-based): chr15:40,411,638, G>A. VCF-style: chr15-40411638-G-A. GRCh37 (hg19) VCF-style: chr15-40703837-G-A.
Other names: c.544G>A, p.Asp182Asn (NM_001159508.3); c.586G>A, p.Asp196Asn (NM_001354597.3); c.634G>A, p.Asp212Asn (NM_001354598.3, NM_001354601.3); c.721G>A, p.Asp241Asn (NM_001354599.3, NM_001354600.3); short protein forms D196N, D212N, D241N, D182N.
Identifiers: ClinVar variation 2196659 (VCV002196659.1), dbSNP rs1011144878, ClinGen allele CA268780215.